The following is an entry in ClinVar:

NM_000038.6(APC):c.7996A>G (p.Ile2666Val)

Gene: APC (APC regulator of Wnt signaling pathway; plus strand). Cytogenetic location: 5q22.2.
Variant type: single nucleotide variant.
Coding change: c.7996A>G on transcript NM_000038.6 (MANE Select); coding-DNA position 7996, A replaced by G.
Protein change: p.Ile2666Val; replaces isoleucine 2666 with valine.
Molecular consequence: missense variant.
Genome position (GRCh38, 1-based): chr5:112,843,590, A>G. VCF-style: chr5-112843590-A-G. GRCh37 (hg19) VCF-style: chr5-112179287-A-G.
Other names: c.7996A>G, p.Ile2666Val (NM_001127510.3, NM_001354895.2); c.7942A>G, p.Ile2648Val (NM_001127511.3); c.8050A>G, p.Ile2684Val (NM_001354896.2); c.8026A>G, p.Ile2676Val (NM_001354897.2); c.7921A>G, p.Ile2641Val (NM_001354898.2); c.7912A>G, p.Ile2638Val (NM_001354899.2); c.7873A>G, p.Ile2625Val (NM_001354900.2); c.7819A>G, p.Ile2607Val (NM_001354901.2); and 5 more; short protein forms I2383V, I2540V, I2565V, I2641V, I2648V, I2506V, I2638V, I2666V.
Identifiers: ClinVar variation 640552 (VCV000640552.14), dbSNP rs1460128902, ClinGen allele CA16038700.
Genomic context (GRCh38, chr5:112,843,590, plus strand): 5'-CAAATGGCACCTGCTGTTTCTAAAACAGAGGATGTTTGGGTGAGAATTGAGGACTGTCCC[A>G]TTAACAATCCTAGATCTGGAAGATCTCCCACAGGTAATACTCCCCCGGTGATTGACAGTG-3'
Protein context (NP_000029.2, residues 2656-2676): DVWVRIEDCP[Ile2666Val]NNPRSGRSPT

ClinVar aggregate classification (germline): Uncertain significance. Review status: criteria provided, multiple submitters, no conflicts (2 of 4 stars). 3 submissions from 3 submitters: Uncertain significance (3). Last evaluated 2025-11-10.

Conditions:
Hereditary cancer-predisposing syndrome. Also called: Neoplastic Syndromes, Hereditary; Tumor predisposition; Hereditary Cancer Syndrome; Hereditary neoplastic syndrome. Identifiers: Orphanet 140162, MedGen C0027672, MeSH D009386, MONDO:0015356.
Familial adenomatous polyposis 1 (FAP1). Also called: POLYPOSIS, ADENOMATOUS INTESTINAL; FAMILIAL ADENOMATOUS POLYPOSIS 1, ATTENUATED. Identifiers: MedGen C2713442, MONDO:0021056, OMIM 175100. Disease mechanism: loss of function.

Allele frequency attached by ClinVar (database versions not stated): gnomAD exomes below 0.00001 and 0.00001; gnomAD 0.00001.
gnomAD v4.1: 5 of 1,613,916 alleles (0.00031%); no homozygotes.

Submissions (3):

Labcorp Genetics (formerly Invitae), Labcorp
Classification: Uncertain significance for Familial adenomatous polyposis 1. Last evaluated: 2025-11-10. Review status: criteria provided, single submitter. Criteria: Invitae Variant Classification Sherloc (09022015). Collection method: clinical testing. Allele origin: germline.
Comment: This sequence change replaces isoleucine, which is neutral and non-polar, with valine, which is neutral and non-polar, at codon 2666 of the APC protein (p.Ile2666Val). This variant is present in population databases (no rsID available, gnomAD 0.03%). This variant has not been reported in the literature in individuals affected with APC-related conditions. ClinVar contains an entry for this variant (Variation ID: 640552). Invitae Evidence Modeling of protein sequence and biophysical properties (such as structural, functional, and spatial information, amino acid conservation, physicochemical variation, residue mobility, and thermodynamic stability) indicates that this missense variant is not expected to disrupt APC protein function with a negative predictive value of 95%. In summary, the available evidence is currently insufficient to determine the role of this variant in disease. Therefore, it has been classified as a Variant of Uncertain Significance.

Color Diagnostics, LLC DBA Color Health
Classification: Uncertain significance for Hereditary cancer-predisposing syndrome. Last evaluated: 2025-01-07. Review status: criteria provided, single submitter. Criteria: ACMG Guidelines, 2015. Collection method: clinical testing. Allele origin: germline.
Comment: This missense variant replaces isoleucine with valine at codon 2666 of the APC protein. Computational prediction suggests that this variant may not impact protein structure and function. To our knowledge, functional studies have not been reported for this variant. This variant has not been reported in individuals affected with APC-related disorders in the literature. This variant has been identified in 3/251196 chromosomes in the general population by the Genome Aggregation Database (gnomAD). The available evidence is insufficient to determine the role of this variant in disease conclusively. Therefore, this variant is classified as a Variant of Uncertain Significance.

Ambry Genetics
Classification: Uncertain significance for Hereditary cancer-predisposing syndrome. Last evaluated: 2023-10-20. Review status: criteria provided, single submitter. Criteria: Ambry Variant Classification Scheme 2023. Collection method: clinical testing. Allele origin: germline.
Comment: The p.I2666V variant (also known as c.7996A>G), located in coding exon 15 of the APC gene, results from an A to G substitution at nucleotide position 7996. The isoleucine at codon 2666 is replaced by valine, an amino acid with highly similar properties. This amino acid position is well conserved in available vertebrate species; however, valine is the reference amino acid in other vertebrate species. In addition, in silico predictors for this gene do not accurately predict pathogenicity. Since supporting evidence is limited at this time, the clinical significance of this alteration remains unclear.